The following is an entry in ClinVar:

NM_025137.4(SPG11):c.158C>T (p.Ala53Val)

Gene: SPG11 (SPG11 vesicle trafficking associated, spatacsin; minus strand). Cytogenetic location: 15q21.1.
Variant type: single nucleotide variant.
Coding change: c.158C>T on transcript NM_025137.4 (MANE Select); coding-DNA position 158, C replaced by T.
Protein change: p.Ala53Val; replaces alanine 53 with valine.
Molecular consequence: missense variant.
Genome position (GRCh38, 1-based): chr15:44,663,490, G>A on the plus strand (C>T on the coding strand, the complement: SPG11 is on the minus strand). VCF-style: chr15-44663490-G-A. GRCh37 (hg19) VCF-style: chr15-44955688-G-A.
Other names: c.158C>T, p.Ala53Val (NM_001160227.2); short protein forms A53V.
Identifiers: ClinVar variation 1019848 (VCV001019848.4), dbSNP rs1302243415, ClinGen allele CA392238667.

ClinVar aggregate classification (germline): Uncertain significance (1 of 4 stars; one submission).

Conditions:
Hereditary spastic paraplegia 11. Also called: Nakamura Osame syndrome; Autosomal recessive hereditary spastic paraplegia, mental impairment, and thin corpus callosum; Spastic Paraplegia 11; Spastic paraplegia, mental retardation and thin corpus callosum; SPASTIC PARAPLEGIA, AUTOSOMAL RECESSIVE, COMPLICATED, WITH THIN CORPUS CALLOSUM; SPASTIC PARAPLEGIA, AUTOSOMAL RECESSIVE, WITH MENTAL IMPAIRMENT AND THIN CORPUS CALLOSUM. Identifiers: Orphanet 2822, MedGen C1858479, MONDO:0011445, OMIM 604360.

Allele frequency attached by ClinVar (database versions not stated): gnomAD exomes below 0.00001; TOPMed below 0.00001.
gnomAD v4.1: 4 of 1,593,014 alleles (0.00025%); highest among the groups gnomAD compares: Admixed American, 0.0053%; no homozygotes.

Submission:

Labcorp Genetics (formerly Invitae), Labcorp
Classification: Uncertain significance for Hereditary spastic paraplegia 11. Last evaluated: 2022-10-03. Review status: criteria provided, single submitter. Criteria: Invitae Variant Classification Sherloc (09022015). Collection method: clinical testing. Allele origin: germline.
Comment: This sequence change replaces alanine, which is neutral and non-polar, with valine, which is neutral and non-polar, at codon 53 of the SPG11 protein (p.Ala53Val). This variant is not present in population databases (gnomAD no frequency). This variant has not been reported in the literature in individuals affected with SPG11-related conditions. ClinVar contains an entry for this variant (Variation ID: 1019848). Algorithms developed to predict the effect of missense changes on protein structure and function output the following: SIFT: "Tolerated"; PolyPhen-2: "Benign"; Align-GVGD: "Class C0". The valine amino acid residue is found in multiple mammalian species, which suggests that this missense change does not adversely affect protein function. In summary, the available evidence is currently insufficient to determine the role of this variant in disease. Therefore, it has been classified as a Variant of Uncertain Significance.